The following is an entry in ClinVar:

NM_000059.4(BRCA2):c.4833G>A (p.Val1611=)

Gene: BRCA2 (BRCA2 DNA repair associated; plus strand). Cytogenetic location: 13q13.1.
Variant type: single nucleotide variant.
Coding change: c.4833G>A on transcript NM_000059.4 (MANE Select); coding-DNA position 4833, G replaced by A.
Protein change: p.Val1611=; no amino-acid change (valine 1611 retained).
Molecular consequence: synonymous variant.
Genome position (GRCh38, 1-based): chr13:32,339,188, G>A. VCF-style: chr13-32339188-G-A. GRCh37 (hg19) VCF-style: chr13-32913325-G-A.
Identifiers: ClinVar variation 384124 (VCV000384124.14), dbSNP rs1057521872, ClinGen allele CA16606790.
Genomic context (GRCh38, chr13:32,339,188, plus strand): 5'-TAAAGAAATGCAGAATTCTCTCAATAATGATAAAAACCTTGTTTCTATTGAGACTGTGGT[G>A]CCACCTAAGCTCTTAAGTGATAATTTATGTAGACAAACTGAAAATCTCAAAACATCAAAA-3'
Protein context (NP_000050.3, residues 1601-1621): DKNLVSIETV[Val1611=]PPKLLSDNLC

ClinVar aggregate classification (germline): Likely benign. Review status: criteria provided, multiple submitters, no conflicts (2 of 4 stars). 5 submissions from 5 submitters: Likely benign (5). Last evaluated 2026-06-03.

Conditions:
Hereditary cancer-predisposing syndrome. Also called: Hereditary Cancer Syndrome; Tumor predisposition; Hereditary neoplastic syndrome; Neoplastic Syndromes, Hereditary. Identifiers: Orphanet 140162, MedGen C0027672, MeSH D009386, MONDO:0015356.
Hereditary breast ovarian cancer syndrome. Also called: Hereditary breast and ovarian cancer syndrome; Hereditary breast and/or ovarian cancer syndrome; Hereditary breast and ovarian cancer syndrome (HBOC); Hereditary breast and ovarian cancer; Breast and ovarian cancer; BRCA1- and BRCA2-Associated Hereditary Breast and Ovarian Cancer. Identifiers: Orphanet 145, MedGen C0677776, MeSH D061325, MONDO:0003582. Disease mechanism: loss of function.

Allele frequency attached by ClinVar (database versions not stated): gnomAD 0.00001; TOPMed 0.00001.
gnomAD v4.1: 2 of 1,613,350 alleles (0.00012%); highest among the groups gnomAD compares: Admixed American, 0.0017%; no homozygotes.

Submissions (5):

Ambry Genetics
Classification: Likely benign for Hereditary cancer-predisposing syndrome. Last evaluated: 2026-06-03. Review status: criteria provided, single submitter. Criteria: Ambry Variant Classification Scheme 2023. Collection method: clinical testing. Allele origin: germline.

Labcorp Genetics (formerly Invitae), Labcorp
Classification: Likely benign for Hereditary breast ovarian cancer syndrome. Last evaluated: 2024-02-15. Review status: criteria provided, single submitter. Criteria: Invitae Variant Classification Sherloc (09022015). Collection method: clinical testing. Allele origin: germline.

Women's Health and Genetics/Laboratory Corporation of America, LabCorp
Classification: Likely benign. Last evaluated: 2020-04-30. Review status: criteria provided, single submitter. Criteria: LabCorp Variant Classification Summary - May 2015. Collection method: clinical testing. Allele origin: germline.

Color Diagnostics, LLC DBA Color Health
Classification: Likely benign for Hereditary cancer-predisposing syndrome. Last evaluated: 2018-12-14. Review status: criteria provided, single submitter. Criteria: ACMG Guidelines, 2015. Collection method: clinical testing. Allele origin: germline.

GeneDx
Classification: Likely benign. Last evaluated: 2016-02-22. Review status: criteria provided, single submitter. Criteria: GeneDx Variant Classification (06012015). Collection method: clinical testing. Allele origin: germline. Affected: yes.
Comment: This variant is considered likely benign or benign based on one or more of the following criteria: it is a conservative change, it occurs at a poorly conserved position in the protein, it is predicted to be benign by multiple in silico algorithms, and/or has population frequency not consistent with disease.